The following is an entry in ClinVar:

ClinVar aggregate classification (germline): Uncertain significance. Review status: criteria provided, multiple submitters, no conflicts (2 of 4 stars). 2 submissions from 2 submitters: Uncertain significance (2). Last evaluated 2023-06-07.

Allele frequency attached by ClinVar (database versions not stated): gnomAD 0.00001; gnomAD exomes 0.00001 and 0.00003; ExAC 0.00003; ESP Exome Variant Server 0.00008.
gnomAD v4.1: 22 of 1,613,988 alleles (0.0014%); highest among the groups gnomAD compares: South Asian, 0.013%; no homozygotes.

Submissions (2):

Ambry Genetics
Classification: Uncertain significance. Last evaluated: 2023-06-07. Review status: criteria provided, single submitter. Criteria: Ambry Variant Classification Scheme 2023. Collection method: clinical testing. Allele origin: germline.

Labcorp Genetics (formerly Invitae), Labcorp
Classification: Uncertain significance. Last evaluated: 2022-09-19. Review status: criteria provided, single submitter. Criteria: Invitae Variant Classification Sherloc (09022015). Collection method: clinical testing. Allele origin: germline.
Comment: ClinVar contains an entry for this variant (Variation ID: 963500). This sequence change replaces tyrosine, which is neutral and polar, with histidine, which is basic and polar, at codon 47 of the A2ML1 protein (p.Tyr47His). This variant is present in population databases (rs374395580, gnomAD 0.01%). This variant has not been reported in the literature in individuals affected with A2ML1-related conditions. Algorithms developed to predict the effect of missense changes on protein structure and function (SIFT, PolyPhen-2, Align-GVGD) all suggest that this variant is likely to be tolerated. In summary, the available evidence is currently insufficient to determine the role of this variant in disease. Therefore, it has been classified as a Variant of Uncertain Significance.

NM_144670.6(A2ML1):c.139T>C (p.Tyr47His)

Genes: A2ML1 (alpha-2-macroglobulin like 1; plus strand), A2ML1-AS1 (A2ML1 antisense RNA 1; minus strand). Cytogenetic location: 12p13.31.
Variant type: single nucleotide variant.
Coding change: c.139T>C on transcript NM_144670.6 (MANE Select); coding-DNA position 139, T replaced by C.
Protein change: p.Tyr47His; replaces tyrosine 47 with histidine.
Molecular consequence: missense variant.
Genome position (GRCh38, 1-based): chr12:8,823,258, T>C. VCF-style: chr12-8823258-T-C. GRCh37 (hg19) VCF-style: chr12-8975854-T-C.
Other names: c.139T>C (NM_144670.3); short protein forms Y47H.
Identifiers: ClinVar variation 963500 (VCV000963500.11), dbSNP rs374395580, ClinGen allele CA6435177.